The following is an entry in ClinVar:

ClinVar aggregate classification (germline): Uncertain significance. Review status: criteria provided, multiple submitters, no conflicts (2 of 4 stars). 2 submissions from 2 submitters: Uncertain significance (2). Last evaluated 2025-03-04.

Conditions:
Inborn genetic diseases. Identifiers: MedGen C0950123, MeSH D030342.

Submissions (2):

Center for Genomic Medicine, Rigshospitalet, Copenhagen University Hospital
Classification: Uncertain significance. Last evaluated: 2025-03-04. Review status: criteria provided, single submitter. Criteria: ACMG Guidelines, 2015. Collection method: clinical testing. Allele origin: germline.

Ambry Genetics
Classification: Uncertain significance for Inborn genetic diseases. Last evaluated: 2023-11-22. Review status: criteria provided, single submitter. Criteria: Ambry Variant Classification Scheme 2023. Collection method: clinical testing. Allele origin: germline.
Comment: The p.W488G variant (also known as c.1462T>G), located in coding exon 10 of the ACD gene, results from a T to G substitution at nucleotide position 1462. The tryptophan at codon 488 is replaced by glycine, an amino acid with highly dissimilar properties. This amino acid position is conserved. In addition, this alteration is predicted to be tolerated by in silico analysis. Since supporting evidence is limited at this time, the clinical significance of this alteration remains unclear.

NM_001082486.2(ACD):c.1204T>G (p.Trp402Gly)

Gene: ACD (ACD shelterin complex subunit and telomerase recruitment factor; minus strand). Cytogenetic location: 16q22.1.
Variant type: single nucleotide variant.
Coding change: c.1204T>G on transcript NM_001082486.2 (MANE Select); coding-DNA position 1204, T replaced by G.
Protein change: p.Trp402Gly; replaces tryptophan 402 with glycine.
Molecular consequence: missense variant.
Genome position (GRCh38, 1-based): chr16:67,657,988, A>C on the plus strand (T>G on the coding strand, the complement: ACD is on the minus strand). VCF-style: chr16-67657988-A-C. GRCh37 (hg19) VCF-style: chr16-67691891-A-C.
Other names: c.1117T>G, p.Trp373Gly (NM_001410884.1); c.1195T>G, p.Trp399Gly (NM_022914.3); c.1462T>G (NM_001082486.1); short protein forms W373G, W399G, W402G.
Identifiers: ClinVar variation 2691972 (VCV002691972.3), dbSNP rs2543598015, ClinGen allele CA396351525.